The following is an entry in ClinVar:

NM_016122.3(CEP83):c.1234_1237del (p.Lys412fs)

Gene: CEP83 (centrosomal protein 83; minus strand). Cytogenetic location: 12q22.
Variant type: Deletion.
Coding change: c.1234_1237del on transcript NM_016122.3 (MANE Select); coding-DNA positions 1234 to 1237, 4 bases deleted (AAAG; older notation c.1234_1237delAAAG).
Protein change: p.Lys412fs; shifts the reading frame from lysine 412.
Molecular consequence: frameshift variant. On other transcripts: non-coding transcript variant (1).
Genome position (GRCh38, 1-based): chr12:94,367,900-94,367,903, CTTT deleted on the plus strand (AAAG on the coding strand, the reverse complement: CEP83 is on the minus strand); deleting any 4 consecutive bases within chr12:94,367,900-94,367,904 gives the same sequence; the c. name uses the placement nearest the transcript's 3' end. VCF-style (leftmost placement, unchanged base first): chr12-94367899-ACTTT-A. GRCh37 (hg19) VCF-style: chr12-94761675-ACTTT-A.
Other names: c.1234_1237del, p.Lys412fs (NM_001042399.2, NM_001346457.2, NM_001368037.1 and 1 more transcripts); c.922_925del, p.Lys308fs (NM_001346458.2, NM_001346459.2, NM_001368039.1 and 1 more transcripts); c.1009_1012del, p.Lys337fs (NM_001368041.1); short protein forms K308fs, K337fs, K412fs.
Identifiers: ClinVar variation 836554 (VCV000836554.9), dbSNP rs780500128, ClinGen allele CA6721698.
Genomic context (GRCh38, chr12:94,367,899, plus strand): 5'-GAAGCCCGCAATTTCTCTTCATACTGATCCTTTTCAGATTGCCTCCAGACATCATGTTCC[ACTTT>A]CATTTTCTCCAAATCTGCTAATCTGTTCTCGAGTTCTAACCTAAAACAAGAGATCATAAT-3'

ClinVar aggregate classification (germline): Pathogenic (1 of 4 stars; one submission).

Conditions:
Nephronophthisis. Also called: Juvenile Nephronophthisis. Identifiers: Orphanet 655, MedGen C0687120, MONDO:0019005, HP:0000090.
Nephronophthisis 18 (NPHP18). Identifiers: Orphanet 655, MedGen C3890591, MONDO:0014374, OMIM 615862.

Submission:

Labcorp Genetics (formerly Invitae), Labcorp
Classification: Pathogenic for Nephronophthisis 18. Last evaluated: 2019-12-06. Review status: criteria provided, single submitter. Criteria: Invitae Variant Classification Sherloc (09022015). Collection method: clinical testing. Allele origin: germline.
Comment: Loss-of-function variants in CEP83 are known to be pathogenic (PMID: 23530209, 24882706). This sequence change creates a premature translational stop signal (p.Lys412Trpfs*37) in the CEP83 gene. It is expected to result in an absent or disrupted protein product. This variant is present in population databases (rs780500128, ExAC 0.001%). This variant has not been reported in the literature in individuals with CEP83-related conditions. For these reasons, this variant has been classified as Pathogenic.

Literature cited by the submitters: PubMed 23530209 (cited by Labcorp Genetics (formerly Invitae), Labcorp); PubMed 24882706 (cited by Labcorp Genetics (formerly Invitae), Labcorp).